The following is an entry in ClinVar:

NM_001567.4(INPPL1):c.3385_3386insGCTGCTGCAGATGGCCAAGA (p.Thr1129fs)

Gene: INPPL1 (inositol polyphosphate phosphatase like 1; plus strand). Cytogenetic location: 11q13.4.
Variant type: Microsatellite.
Coding change: c.3385_3386insGCTGCTGCAGATGGCCAAGA on transcript NM_001567.4 (MANE Select); coding-DNA positions 3385 to 3386, GCTGCTGCAGATGGCCAAGA inserted.
Protein change: p.Thr1129fs; shifts the reading frame from threonine 1129.
Molecular consequence: frameshift variant.
Genome position: GRCh38 VCF-style: chr11-72237611-G-GTGCTGCAGATGGCCAAGAGC. GRCh37 (hg19) VCF-style: chr11-71948655-G-GTGCTGCAGATGGCCAAGAGC.
Other names: short protein forms T1129fs.
Identifiers: ClinVar variation 2782479 (VCV002782479.3), dbSNP rs2539247073.

ClinVar aggregate classification (germline): Pathogenic (1 of 4 stars; one submission).

Submission:

Labcorp Genetics (formerly Invitae), Labcorp
Classification: Pathogenic. Last evaluated: 2023-02-03. Review status: criteria provided, single submitter. Criteria: Invitae Variant Classification Sherloc (09022015). Collection method: clinical testing. Allele origin: germline.
Comment: For these reasons, this variant has been classified as Pathogenic. Algorithms developed to predict the effect of sequence changes on RNA splicing suggest that this variant may disrupt the consensus splice site. This variant has not been reported in the literature in individuals affected with INPPL1-related conditions. This variant is not present in population databases (gnomAD no frequency). This sequence change creates a premature translational stop signal (p.Thr1129Serfs*9) in the INPPL1 gene. It is expected to result in an absent or disrupted protein product. Loss-of-function variants in INPPL1 are known to be pathogenic (PMID: 23273567, 23273569).

Literature cited by the submitters: PubMed 23273567; PubMed 23273569.